The following is an entry in ClinVar:

ClinVar aggregate classification (germline): Conflicting classifications of pathogenicity. Review status: criteria provided, conflicting classifications (1 of 4 stars). 4 submissions from 4 submitters: Uncertain significance (3); Likely benign (1). Last evaluated 2025-10-18.

Conditions:
Long QT syndrome 11 (LQT11). Identifiers: Orphanet 101016, Orphanet 768, MedGen C2678483, MONDO:0012738, OMIM 611820.
Cardiovascular phenotype. Identifiers: MedGen CN230736.
Long QT syndrome (LQTS). Identifiers: MedGen C0023976, MeSH D008133, MONDO:0002442. Disease mechanism: loss of function. Inheritance: Various modes of inheritance.

Allele frequency attached by ClinVar (database versions not stated): ExAC 0.00002; gnomAD exomes 0.00002 and 0.00009; TOPMed 0.00003; ESP Exome Variant Server 0.00008.
gnomAD v4.1: 131 of 1,612,764 alleles (0.0081%); highest among the groups gnomAD compares: Non-Finnish European, 0.011%; no homozygotes.

Submissions (4):

Ambry Genetics
Classification: Uncertain significance for Cardiovascular phenotype. Last evaluated: 2025-10-18. Review status: criteria provided, single submitter. Criteria: Ambry Variant Classification Scheme 2023. Collection method: clinical testing. Allele origin: germline.

Labcorp Genetics (formerly Invitae), Labcorp
Classification: Uncertain significance for Long QT syndrome. Last evaluated: 2025-02-27. Review status: criteria provided, single submitter. Criteria: Invitae Variant Classification Sherloc (09022015). Collection method: clinical testing. Allele origin: germline.
Comment: This sequence change replaces glutamine, which is neutral and polar, with glutamic acid, which is acidic and polar, at codon 202 of the AKAP9 protein (p.Gln202Glu). This variant is present in population databases (rs147876926, gnomAD 0.006%). This variant has not been reported in the literature in individuals affected with AKAP9-related conditions. ClinVar contains an entry for this variant (Variation ID: 1491561). An algorithm developed to predict the effect of missense changes on protein structure and function (PolyPhen-2) suggests that this variant is likely to be disruptive. In summary, the available evidence is currently insufficient to determine the role of this variant in disease. Therefore, it has been classified as a Variant of Uncertain Significance.

Blueprint Genetics
Classification: Likely benign. Last evaluated: 2022-06-16. Review status: criteria provided, single submitter. Criteria: ACMG Guidelines, 2015. Collection method: clinical testing. Allele origin: germline.

Fulgent Genetics
Classification: Uncertain significance for Long QT syndrome 11. Last evaluated: 2021-07-26. Review status: criteria provided, single submitter. Criteria: ACMG Guidelines, 2015. Collection method: clinical testing. Allele origin: unknown.

NM_005751.5(AKAP9):c.604C>G (p.Gln202Glu)

Gene: AKAP9 (A-kinase anchoring protein 9; plus strand). Cytogenetic location: 7q21.2.
Variant type: single nucleotide variant.
Coding change: c.604C>G on transcript NM_005751.5 (MANE Select); coding-DNA position 604, C replaced by G.
Protein change: p.Gln202Glu; replaces glutamine 202 with glutamic acid.
Molecular consequence: missense variant.
Genome position (GRCh38, 1-based): chr7:91,994,648, C>G. VCF-style: chr7-91994648-C-G. GRCh37 (hg19) VCF-style: chr7-91623962-C-G.
Other names: c.604C>G, p.Gln202Glu (NM_147185.3); short protein forms Q202E.
Identifiers: ClinVar variation 1491561 (VCV001491561.15), dbSNP rs147876926, ClinGen allele CA4335869.